The following is an entry in ClinVar:

ClinVar aggregate classification (germline): Likely pathogenic. Review status: criteria provided, single submitter (1 of 4 stars). 2 submissions from 2 submitters: Likely pathogenic (1). 1 of the submissions does not count toward it. Last evaluated 2020-08-24.

Conditions:
Pseudohermaphroditism. Identifiers: MedGen C0033804, MONDO:0005518.

Submissions (2):

GeneDx
Classification: Likely pathogenic. Last evaluated: 2020-08-24. Review status: criteria provided, single submitter. Criteria: GeneDx Variant Classification Process June 2021. Collection method: clinical testing. Allele origin: germline. Affected: yes.
Comment: Not observed in large population cohorts (Lek et al., 2016); In-frame deletion of 1 amino acids in a non-repeat region; In silico analysis supports a deleterious effect on protein structure/function; This variant is associated with the following publications: (PMID: 27899157)

Clinical Molecular Genetics Laboratory, Johns Hopkins All Children's Hospital
Classification: Likely pathogenic for Pseudohermaphroditism. Last evaluated: 2016-08-25. Review status: no assertion criteria provided. Collection method: clinical testing. Allele origin: germline. Affected: yes. Not counted in ClinVar's aggregate classification.

NM_000197.2(HSD17B3):c.414_416del (p.Leu139del)

Genes: HSD17B3 (hydroxysteroid 17-beta dehydrogenase 3; minus strand), SLC35D2-HSD17B3 (SLC35D2-HSD17B3 readthrough; minus strand). Cytogenetic location: 9q22.32.
Variant type: Deletion.
Coding change: c.414_416del on transcript NM_000197.2 (MANE Select); coding-DNA positions 414 to 416, 3 bases deleted (TCT; older notation c.414_416delTCT).
Protein change: p.Leu139del; deletes leucine 139.
Molecular consequence: inframe deletion.
Genome position (GRCh38, 1-based): chr9:96,251,455-96,251,457, AGA deleted on the plus strand (TCT on the coding strand, the reverse complement: HSD17B3 is on the minus strand); deleting any 3 consecutive bases within chr9:96,251,455-96,251,459 gives the same sequence; the c. name uses the placement nearest the transcript's 3' end. VCF-style (leftmost placement, unchanged base first): chr9-96251454-GAGA-G. GRCh37 (hg19) VCF-style: chr9-99013736-GAGA-G.
Other names: short protein forms L139del.
Identifiers: ClinVar variation 492764 (VCV000492764.3), dbSNP rs1554694678, ClinGen allele CA658683544.